The following is an entry in ClinVar:

ClinVar aggregate classification (germline): Likely benign (1 of 4 stars; one submission).

Conditions:
CREBBP-related disorder. Also called: CREBBP-related disorders; CREBBP-related condition.

gnomAD v4.1: 12 of 1,614,072 alleles (0.00074%); highest among the groups gnomAD compares: African/African-American, 0.016%; no homozygotes.

Submission:

PreventionGenetics, part of Exact Sciences
Classification: Likely benign for CREBBP-related condition. Last evaluated: 2024-11-24. Review status: criteria provided, single submitter. Criteria: ACMG Guidelines, 2015. Collection method: clinical testing. Allele origin: germline.
Comment: This variant is classified as likely benign based on ACMG/AMP sequence variant interpretation guidelines (Richards et al. 2015 PMID: 25741868, with internal and published modifications).

NM_004380.3(CREBBP):c.222A>T (p.Leu74=)

Gene: CREBBP (CREB binding lysine acetyltransferase; minus strand). Cytogenetic location: 16p13.3.
Variant type: single nucleotide variant.
Coding change: c.222A>T on transcript NM_004380.3 (MANE Select); coding-DNA position 222, A replaced by T.
Protein change: p.Leu74=; no amino-acid change (leucine 74 retained).
Molecular consequence: synonymous variant.
Genome position (GRCh38, 1-based): chr16:3,850,873, T>A on the plus strand (A>T on the coding strand, the complement: CREBBP is on the minus strand). VCF-style: chr16-3850873-T-A. GRCh37 (hg19) VCF-style: chr16-3900874-T-A.
Other names: c.222A>T, p.Leu74= (NM_001079846.1).
Identifiers: ClinVar variation 4988297 (VCV004988297.1).
Genomic context (GRCh38, chr16:3,850,873, plus strand): 5'-GGGGCTGCTGGCGCTCACATTTCCTATTCCTGGGTTGATACTAGAGCCGCTGCCTCCTCG[T>A]AGAAGCTCCGACAGTTGTTTATGTTTGGAAGCAGCATCTGGAACAAGGTTCCCACTGTTT-3'
Protein context (NP_004371.2, residues 64-84): ASKHKQLSEL[Leu74=]RGGSGSSINP